The following is an entry in ClinVar:

NM_001384474.1(LOXHD1):c.3549_3550del (p.Gly1184_Val1185insTer)

Gene: LOXHD1 (lipoxygenase homology PLAT domains 1; minus strand). Cytogenetic location: 18q21.1.
Variant type: Deletion.
Coding change: c.3549_3550del on transcript NM_001384474.1 (MANE Select); coding-DNA positions 3549 to 3550, 2 bases deleted (TG; older notation c.3549_3550delTG).
Protein change: p.Gly1184_Val1185insTer.
Molecular consequence: frameshift variant. On other transcripts: 5 prime UTR variant (1).
Genome position (GRCh38, 1-based): chr18:46,545,386-46,545,387, CA deleted on the plus strand (TG on the coding strand, the reverse complement: LOXHD1 is on the minus strand). VCF-style (leftmost placement, unchanged base first): chr18-46545385-CCA-C. GRCh37 (hg19) VCF-style: chr18-44125348-CCA-C.
Other names: c.216_217del, p.Gly73_Val74insTer (NM_001145472.3); c.-73_-72del (NM_001308013.2); c.3549_3550del, p.Gly1184_Val1185insTer (NM_144612.7).
Identifiers: ClinVar variation 2064310 (VCV002064310.4), dbSNP rs2511735449, ClinGen allele CA2580095749.
Genomic context (GRCh38, chr18:46,545,385, plus strand): 5'-TCCTGTGTGCCAAAGAGTGTGATGAAGACATTAGCATCTGTGCCCGCATTCTTCTTAACC[CCA>C]GTCTTTATGGTCACTGAGAATGTGGTAGATTTATCTGCCAAGAGAATAGTATAGAGCAAT-3'

ClinVar aggregate classification (germline): Pathogenic (1 of 4 stars; one submission).

Submission:

Labcorp Genetics (formerly Invitae), Labcorp
Classification: Pathogenic. Last evaluated: 2023-04-11. Review status: criteria provided, single submitter. Criteria: Invitae Variant Classification Sherloc (09022015). Collection method: clinical testing. Allele origin: germline.
Comment: ClinVar contains an entry for this variant (Variation ID: 2064310). This sequence change creates a premature translational stop signal (p.Val1185*) in the LOXHD1 gene. It is expected to result in an absent or disrupted protein product. Loss-of-function variants in LOXHD1 are known to be pathogenic (PMID: 19732867, 21465660, 25792669). This variant is not present in population databases (gnomAD no frequency). This variant has not been reported in the literature in individuals affected with LOXHD1-related conditions. For these reasons, this variant has been classified as Pathogenic.

Literature cited by the submitters: PubMed 19732867; PubMed 21465660; PubMed 25792669.